The following is an entry in ClinVar:

ClinVar aggregate classification (germline): Conflicting classifications of pathogenicity. Review status: criteria provided, conflicting classifications (1 of 4 stars). 8 submissions from 8 submitters: Uncertain significance (1); Likely benign (3). 4 of the submissions do not count toward it. Last evaluated 2026-06-01.

Conditions:
TICAM1-related disorder. Also called: TICAM1-related condition.
Encephalopathy, acute, infection-induced (herpes-specific), susceptibility to, 6. Also called: Herpes simplex encephalitis, susceptibility to, 4. Identifiers: Orphanet 1930, MedGen C3553869, MONDO:0013921, OMIM 614850.

Allele frequency attached by ClinVar (database versions not stated): 1000 Genomes Project 0.00020; gnomAD 0.00269 and 0.00265; gnomAD exomes 0.00321 and 0.00300; 1000 Genomes Project 30x 0.00016; TOPMed 0.00243; ExAC 0.00308; ESP Exome Variant Server 0.00292.

Submissions (8):

CeGaT Center for Human Genetics Tuebingen
Classification: Likely benign. Last evaluated: 2026-06-01. Review status: criteria provided, single submitter. Criteria: CeGaT Center For Human Genetics Tuebingen Variant Classification Criteria Version 2. Collection method: clinical testing. Allele origin: germline. Affected: yes. Observed: 5 variant alleles.
Comment: TICAM1: BP4, BS2

Labcorp Genetics (formerly Invitae), Labcorp
Classification: Likely benign for Encephalopathy, acute, infection-induced (herpes-specific), susceptibility to, 6. Last evaluated: 2026-01-27. Review status: criteria provided, single submitter. Criteria: Invitae Variant Classification Sherloc (09022015). Collection method: clinical testing. Allele origin: germline.

Department of Pathology and Laboratory Medicine, Sinai Health System
Classification: Likely benign for Encephalopathy, acute, infection-induced (herpes-specific), susceptibility to, 6. Last evaluated: 2023-02-06. Review status: criteria provided, single submitter. Criteria: ACMG Guidelines, 2015. Collection method: research. Allele origin: germline.

Center for Genomics, Ann and Robert H. Lurie Children's Hospital of Chicago
Classification: Uncertain significance for Encephalopathy, acute, infection-induced (herpes-specific), susceptibility to, 6. Last evaluated: 2021-03-30. Review status: criteria provided, single submitter. Criteria: ACMG Guidelines, 2015. Collection method: clinical testing. Allele origin: germline.
Comment: TICAM1 NM_182919.3 exon 2 p.Ala568Thr (c.1702G>A): This variant has been reported in the literature in at least 1 individual with a history of Herpes simplex encephalitis (HSE) (Mork 2015 PMID:26513235, Andersen 2019 PMID:29217828). This variant is present in 0.3% (503/128998) of European alleles, including 1 homozygote in the Genome Aggregation Database. This variant is present in ClinVar (Variation ID:473292). This variant amino acid Threonine (Thr) is present in 5 species (Pika, Elephant, Saker falcon, Peregrine falcon, Atlantic cod) and is not well conserved among evolutionarily distant species; this suggests that this variant may not impact the protein. Additional computational prediction tools do not suggest an impact. In vitro functional studies suggest that this variant will impact the protein (Andersen 2019 PMID:29217828). However, these studies may not accurately represent in vivo biological function. In summary, data on this variant is insufficient for disease classification. Therefore, the clinical significance of this variant is uncertain.

PreventionGenetics, part of Exact Sciences
Classification: Likely benign for TICAM1-related condition. Last evaluated: 2024-08-13. Review status: no assertion criteria provided. Collection method: clinical testing. Allele origin: germline. Not counted in ClinVar's aggregate classification.
Comment: This variant is classified as likely benign based on ACMG/AMP sequence variant interpretation guidelines (Richards et al. 2015 PMID: 25741868, with internal and published modifications).

OMIM
Classification: risk factor for ENCEPHALOPATHY, ACUTE, INFECTION-INDUCED (HERPES-SPECIFIC), SUSCEPTIBILITY TO, 6. Last evaluated: 2018-03-15. Review status: no assertion criteria provided. Collection method: literature only. Allele origin: germline. Not counted in ClinVar's aggregate classification.

Diagnostic Laboratory, Department of Genetics, University Medical Center Groningen
Classification: Likely benign. Review status: no assertion criteria provided. Collection method: clinical testing. Allele origin: germline. Affected: yes. Study: VKGL Data-share Consensus. Not counted in ClinVar's aggregate classification.

Genome Diagnostics Laboratory, University Medical Center Utrecht
Classification: Likely benign. Review status: no assertion criteria provided. Collection method: clinical testing. Allele origin: germline. Affected: yes. Study: VKGL Data-share Consensus. Not counted in ClinVar's aggregate classification.

Literature cited by the submitters: PubMed 26513235 (cited by OMIM).

NM_182919.4(TICAM1):c.1702G>A (p.Ala568Thr)

Gene: TICAM1 (TIR domain containing adaptor molecule 1; minus strand). Cytogenetic location: 19p13.3.
Variant type: single nucleotide variant.
Coding change: c.1702G>A on transcript NM_182919.4 (MANE Select); coding-DNA position 1702, G replaced by A.
Protein change: p.Ala568Thr; replaces alanine 568 with threonine.
Molecular consequence: missense variant.
Genome position (GRCh38, 1-based): chr19:4,816,676, C>T on the plus strand (G>A on the coding strand, the complement: TICAM1 is on the minus strand). VCF-style: chr19-4816676-C-T. GRCh37 (hg19) VCF-style: chr19-4816688-C-T.
Other names: c.1660G>A, p.Ala554Thr (NM_001385678.1); c.1567G>A, p.Ala523Thr (NM_001385679.1); c.1060G>A, p.Ala354Thr (NM_001385680.1); short protein forms A568T, A354T, A523T, A554T.
Identifiers: ClinVar variation 473292 (VCV000473292.48), dbSNP rs143679494, ClinGen allele CA9105081.